The following is an entry in ClinVar:

NM_001365951.3(KIF1B):c.3814G>A (p.Val1272Ile)

Gene: KIF1B (kinesin family member 1B; plus strand). Cytogenetic location: 1p36.22.
Variant type: single nucleotide variant.
Coding change: c.3814G>A on transcript NM_001365951.3 (MANE Select); coding-DNA position 3814, G replaced by A.
Protein change: p.Val1272Ile; replaces valine 1272 with isoleucine.
Molecular consequence: missense variant.
Genome position (GRCh38, 1-based): chr1:10,347,777, G>A. VCF-style: chr1-10347777-G-A. GRCh37 (hg19) VCF-style: chr1-10407835-G-A.
Other names: c.3814G>A, p.Val1272Ile (NM_001365952.1); c.3676G>A, p.Val1226Ile (NM_015074.3); short protein forms V1226I, V1272I.
Identifiers: ClinVar variation 3864030 (VCV003864030.1).

ClinVar aggregate classification (germline): Uncertain significance (1 of 4 stars; one submission).

gnomAD v4.1: 1 of 1,613,294 alleles (0.000062%); highest among the groups gnomAD compares: Non-Finnish European, 0.000085%; no homozygotes.

Submission:

Ambry Genetics
Classification: Uncertain significance. Last evaluated: 2025-03-05. Review status: criteria provided, single submitter. Criteria: Ambry Variant Classification Scheme 2023. Collection method: clinical testing. Allele origin: germline.
Comment: The p.V1226I variant (also known as c.3676G>A), located in coding exon 33 of the KIF1B gene, results from a G to A substitution at nucleotide position 3676. The valine at codon 1226 is replaced by isoleucine, an amino acid with highly similar properties. This amino acid position is conserved. In addition, the in silico prediction for this alteration is inconclusive. Based on the available evidence, the clinical significance of this variant remains unclear.